The following is an entry in ClinVar:

ClinVar aggregate classification (germline): Benign (0 of 4 stars; one submission).

Conditions:
METTL13-related disorder. Also called: METTL13-related condition.

Allele frequency attached by ClinVar (database versions not stated): gnomAD exomes 0.46457; ExAC 0.47057; 1000 Genomes Project 0.53375; gnomAD 0.53809; TOPMed 0.54203; 1000 Genomes Project 30x 0.54372; ESP Exome Variant Server 0.54790.
gnomAD v4.1: 761,873 of 1,613,446 alleles (47%); highest among the groups gnomAD compares: African/African-American, 71%; 184,846 homozygotes.

Submission:

PreventionGenetics, part of Exact Sciences
Classification: Benign for METTL13-related condition. Last evaluated: 2019-10-17. Review status: no assertion criteria provided. Collection method: clinical testing. Allele origin: germline.
Comment: This variant is classified as benign based on ACMG/AMP sequence variant interpretation guidelines (Richards et al. 2015 PMID: 25741868, with internal and published modifications).

NM_015935.5(METTL13):c.129T>C (p.His43=)

Gene: METTL13 (methyltransferase 13, eEF1A N-terminus and K55; plus strand). Cytogenetic location: 1q24.3.
Variant type: single nucleotide variant.
Coding change: c.129T>C on transcript NM_015935.5 (MANE Select); coding-DNA position 129, T replaced by C.
Protein change: p.His43=; no amino-acid change (histidine 43 retained).
Molecular consequence: synonymous variant. On other transcripts: intron variant (1).
Genome position (GRCh38, 1-based): chr1:171,782,096, T>C. VCF-style: chr1-171782096-T-C. GRCh37 (hg19) VCF-style: chr1-171751236-T-C.
Other names: c.129T>C, p.His43= (NM_001007239.2); c.-106+301T>C (NM_014955.3).
Identifiers: ClinVar variation 3059095 (VCV003059095.2), dbSNP rs2294720, ClinGen allele CA1244547.